The following is an entry in ClinVar:

NM_005751.5(AKAP9):c.3736A>G (p.Arg1246Gly)

Gene: AKAP9 (A-kinase anchoring protein 9; plus strand). Cytogenetic location: 7q21.2.
Variant type: single nucleotide variant.
Coding change: c.3736A>G on transcript NM_005751.5 (MANE Select); coding-DNA position 3736, A replaced by G.
Protein change: p.Arg1246Gly; replaces arginine 1246 with glycine.
Molecular consequence: missense variant.
Genome position (GRCh38, 1-based): chr7:92,016,252, A>G. VCF-style: chr7-92016252-A-G. GRCh37 (hg19) VCF-style: chr7-91645566-A-G.
Other names: c.3736A>G, p.Arg1246Gly (NM_147185.3); short protein forms R1246G.
Identifiers: ClinVar variation 666370 (VCV000666370.9), dbSNP rs779232513, ClinGen allele CA4336375.

ClinVar aggregate classification (germline): Uncertain significance. Review status: criteria provided, multiple submitters, no conflicts (2 of 4 stars). 5 submissions from 5 submitters: Uncertain significance (5). Last evaluated 2024-03-11.

Conditions:
Long QT syndrome (LQTS). Identifiers: MedGen C0023976, MeSH D008133, MONDO:0002442. Disease mechanism: loss of function. Inheritance: Various modes of inheritance.
Cardiovascular phenotype. Identifiers: MedGen CN230736.
Long QT syndrome 11 (LQT11). Identifiers: Orphanet 101016, Orphanet 768, MedGen C2678483, MONDO:0012738, OMIM 611820.

Allele frequency attached by ClinVar (database versions not stated): ExAC 0.00001; gnomAD 0.00001 and 0.00002; gnomAD exomes 0.00001; TOPMed 0.00001.
gnomAD v4.1: 27 of 1,547,934 alleles (0.0017%); highest among the groups gnomAD compares: Middle Eastern, 0.061%; no homozygotes.

Submissions (5):

Ambry Genetics
Classification: Uncertain significance for Cardiovascular phenotype. Last evaluated: 2024-03-11. Review status: criteria provided, single submitter. Criteria: Ambry Variant Classification Scheme 2023. Collection method: clinical testing. Allele origin: germline.
Comment: The p.R1246G variant (also known as c.3736A>G), located in coding exon 11 of the AKAP9 gene, results from an A to G substitution at nucleotide position 3736. The arginine at codon 1246 is replaced by glycine, an amino acid with dissimilar properties. This amino acid position is well conserved in available vertebrate species. In addition, this alteration is predicted to be tolerated by in silico analysis. The evidence for this gene-disease relationship is limited; therefore, the clinical significance of this alteration is unclear.

Dept of Medical Biology, Uskudar University
Classification: Uncertain significance for Long QT syndrome. Last evaluated: 2024-01-08. Review status: criteria provided, single submitter. Criteria: Dept of Medical Biology Variant Classification. Collection method: research. Allele origin: paternal. Affected: yes. Observed: 1 variant allele.
Comment: Criteria: PM2, BP4

Labcorp Genetics (formerly Invitae), Labcorp
Classification: Uncertain significance for Long QT syndrome. Last evaluated: 2022-11-07. Review status: criteria provided, single submitter. Criteria: Invitae Variant Classification Sherloc (09022015). Collection method: clinical testing. Allele origin: germline.
Comment: This sequence change replaces arginine, which is basic and polar, with glycine, which is neutral and non-polar, at codon 1246 of the AKAP9 protein (p.Arg1246Gly). The frequency data for this variant in the population databases is considered unreliable, as metrics indicate poor data quality at this position in the gnomAD database. This missense change has been observed in individual(s) with clinical features of AKAP9-related conditions (PMID: 28341588). ClinVar contains an entry for this variant (Variation ID: 666370). Algorithms developed to predict the effect of missense changes on protein structure and function (SIFT, PolyPhen-2, Align-GVGD) all suggest that this variant is likely to be tolerated. In summary, the available evidence is currently insufficient to determine the role of this variant in disease. Therefore, it has been classified as a Variant of Uncertain Significance.

Women's Health and Genetics/Laboratory Corporation of America, LabCorp
Classification: Uncertain significance. Last evaluated: 2022-01-17. Review status: criteria provided, single submitter. Criteria: LabCorp Variant Classification Summary - May 2015. Collection method: clinical testing. Allele origin: germline.
Comment: Variant summary: AKAP9 c.3736A>G (p.Arg1246Gly) results in a non-conservative amino acid change in the encoded protein sequence. Three of five in-silico tools predict a benign effect of the variant on protein function. The variant allele was found at a frequency of 8.2e-06 in 242950 control chromosomes (gnomAD). The available data on variant occurrences in the general population are insufficient to allow any conclusion about variant significance. c.3736A>G has been reported in the literature in one individual affected with Primary Electrical Disease (Proost_2017). The report does not provide unequivocal conclusions about association of the variant with Long QT Syndrome. To our knowledge, no experimental evidence demonstrating an impact on protein function has been reported. No clinical diagnostic laboratories have submitted clinical-significance assessments for this variant to ClinVar after 2014. Based on the evidence outlined above, the variant was classified as uncertain significance.

Fulgent Genetics
Classification: Uncertain significance for Long QT syndrome 11. Last evaluated: 2021-09-29. Review status: criteria provided, single submitter. Criteria: ACMG Guidelines, 2015. Collection method: clinical testing. Allele origin: unknown.

Literature cited by the submitters: PubMed 28341588 (cited by 3 submitters).